The following is an entry in ClinVar:

NM_000053.4(ATP7B):c.1811C>T (p.Ala604Val)

Gene: ATP7B (ATPase copper transporting beta; minus strand). Cytogenetic location: 13q14.3.
Variant type: single nucleotide variant.
Coding change: c.1811C>T on transcript NM_000053.4 (MANE Select); coding-DNA position 1811, C replaced by T.
Protein change: p.Ala604Val; replaces alanine 604 with valine.
Molecular consequence: missense variant. On other transcripts: intron variant (3).
Genome position (GRCh38, 1-based): chr13:51,964,930, G>A on the plus strand (C>T on the coding strand, the complement: ATP7B is on the minus strand). VCF-style: chr13-51964930-G-A. GRCh37 (hg19) VCF-style: chr13-52539066-G-A.
Other names: c.1478C>T, p.Ala493Val (NM_001243182.2); c.1811C>T, p.Ala604Val (NM_001330578.2, NM_001330579.2, NM_001406511.1 and 24 more transcripts); c.1778C>T, p.Ala593Val (NM_001406514.1, NM_001406524.1); c.1715C>T, p.Ala572Val (NM_001406517.1, NM_001406518.1, NM_001406543.1 and 3 more transcripts); c.1382C>T, p.Ala461Val (NM_001406539.1); c.1285+9005C>T (NM_001406548.1); c.1707+3514C>T (NM_001406547.1, NM_001406545.1); short protein forms A461V, A493V, A572V, A593V, A604V.
Identifiers: ClinVar variation 4757609 (VCV004757609.1).

ClinVar aggregate classification (germline): Uncertain significance (1 of 4 stars; one submission).

Conditions:
Wilson disease (WND). Also called: Wilson's disease. Identifiers: Orphanet 905, MedGen C0019202, MONDO:0010200, OMIM 277900. Disease mechanism: loss of function.

gnomAD v4.1: 1 of 1,614,078 alleles (0.000062%); highest among the groups gnomAD compares: Non-Finnish European, 0.000085%; no homozygotes.

Submission:

Color Diagnostics, LLC DBA Color Health
Classification: Uncertain significance for Wilson disease. Last evaluated: 2025-07-14. Review status: criteria provided, single submitter. Criteria: ACMG Guidelines, 2015. Collection method: clinical testing. Allele origin: germline.
Comment: This missense variant replaces alanine with valine at codon 604 of the ATP7B protein. Computational prediction suggests that this variant may have deleterious impact on protein structure and function. To our knowledge, functional studies have not been reported for this variant. This variant has not been reported in individuals affected with ATP7B-related disorders in the literature. This variant has not been identified in the general population by the Genome Aggregation Database (gnomAD). The available evidence is insufficient to determine the role of this variant in disease conclusively. Therefore, this variant is classified as a Variant of Uncertain Significance.